The following is an entry in ClinVar:

ClinVar aggregate classification (germline): Likely benign. Review status: criteria provided, multiple submitters, no conflicts (2 of 4 stars). 2 submissions from 2 submitters: Likely benign (2). Last evaluated 2026-09-24.

Conditions:
ADAMTS2-related disorder. Also called: ADAMTS2-related condition.

Allele frequency attached by ClinVar (database versions not stated): TOPMed 0.00004; gnomAD 0.00006 and 0.00007.
gnomAD v4.1: 45 of 1,133,818 alleles (0.004%); highest among the groups gnomAD compares: South Asian, 0.017%; no homozygotes.

Submissions (2):

PreventionGenetics, part of Exact Sciences
Classification: Likely benign for ADAMTS2-related condition. Last evaluated: 2026-09-24. Review status: criteria provided, single submitter. Criteria: ACMG Guidelines, 2015. Collection method: clinical testing. Allele origin: germline.
Comment: This variant is classified as likely benign based on ACMG/AMP sequence variant interpretation guidelines (Richards et al. 2015 PMID: 25741868, with internal and published modifications).

GeneDx
Classification: Likely benign. Last evaluated: 2017-04-12. Review status: criteria provided, single submitter. Criteria: GeneDx Variant Classification (06012015). Collection method: clinical testing. Allele origin: germline. Affected: yes.
Comment: This variant is considered likely benign or benign based on one or more of the following criteria: it is a conservative change, it occurs at a poorly conserved position in the protein, it is predicted to be benign by multiple in silico algorithms, and/or has population frequency not consistent with disease.

NM_014244.5(ADAMTS2):c.-7G>C

Gene: ADAMTS2 (ADAM metallopeptidase with thrombospondin type 1 motif 2; minus strand). Cytogenetic location: 5q35.3.
Variant type: single nucleotide variant.
Coding change: c.-7G>C on transcript NM_014244.5 (MANE Select); 7 bases upstream of the start codon, G replaced by C.
Molecular consequence: 5 prime UTR variant.
Genome position (GRCh38, 1-based): chr5:179,345,335, C>G on the plus strand (G>C on the coding strand, the complement: ADAMTS2 is on the minus strand). VCF-style: chr5-179345335-C-G. GRCh37 (hg19) VCF-style: chr5-178772336-C-G.
Other names: c.-7G>C (NM_021599.4).
Identifiers: ClinVar variation 508662 (VCV000508662.2), dbSNP rs1045542267, ClinGen allele CA133087007.
Genomic context (GRCh38, chr5:179,345,335, plus strand): 5'-CAGCAGCAGCGCGGGGCAGAGCAGGCGGCGAGCGGCTCCCGCCGGCGGATCCATGGCAGC[C>G]GGACTGCAGCCGGGGCCCCGCACTCGCAGCCGGCGCGAAAGTTCCCCGCGAGCCGCCCAG-3'